The following is an entry in ClinVar:

NM_001128840.3(CACNA1D):c.4926G>A (p.Ala1642=)

Gene: CACNA1D (calcium voltage-gated channel subunit alpha1 D; plus strand). Cytogenetic location: 3p21.1.
Variant type: single nucleotide variant.
Coding change: c.4926G>A on transcript NM_001128840.3 (MANE Select); coding-DNA position 4926, G replaced by A.
Protein change: p.Ala1642=; no amino-acid change (alanine 1642 retained).
Molecular consequence: synonymous variant.
Genome position (GRCh38, 1-based): chr3:53,800,251, G>A. VCF-style: chr3-53800251-G-A. GRCh37 (hg19) VCF-style: chr3-53834278-G-A.
Other names: c.4986G>A, p.Ala1662= (NM_000720.4); c.4881G>A, p.Ala1627= (NM_001128839.3).
Identifiers: ClinVar variation 505331 (VCV000505331.14), dbSNP rs568306347, ClinGen allele CA2455040.

ClinVar aggregate classification (germline): Conflicting classifications of pathogenicity. Review status: criteria provided, conflicting classifications (1 of 4 stars). 3 submissions from 3 submitters: Uncertain significance (1); Likely benign (2). Last evaluated 2025-08-10.

Allele frequency attached by ClinVar (database versions not stated): gnomAD 0.00006 and 0.00011; gnomAD exomes 0.00006 and 0.00010; TOPMed 0.00006; ExAC 0.00012; 1000 Genomes Project 0.00040; 1000 Genomes Project 30x 0.00047.
gnomAD v4.1: 101 of 1,609,166 alleles (0.0063%); highest among the groups gnomAD compares: Middle Eastern, 0.083%; no homozygotes.

Submissions (3):

Labcorp Genetics (formerly Invitae), Labcorp
Classification: Likely benign. Last evaluated: 2025-08-10. Review status: criteria provided, single submitter. Criteria: Invitae Variant Classification Sherloc (09022015). Collection method: clinical testing. Allele origin: germline.

Blueprint Genetics
Classification: Uncertain significance. Last evaluated: 2024-11-19. Review status: criteria provided, single submitter. Criteria: ACMG Guidelines, 2015. Collection method: clinical testing. Allele origin: germline.

Laboratory for Molecular Medicine, Mass General Brigham Personalized Medicine
Classification: Likely benign. Last evaluated: 2016-10-18. Review status: criteria provided, single submitter. Criteria: LMM Criteria. Collection method: clinical testing. Allele origin: germline. Observed: 1 variant allele.
Comment: p.Ala1662Ala in exon 42 of CACNA1D: This variant is not expected to have clinica l significance because it does not alter an amino acid residue and is not locate d within the splice consensus sequence. It has been identified in 9/16512 South Asian chromosomes by the Exome Aggregation Consortium (ExAC; dbSNP rs568306347).